The following is an entry in ClinVar:

ClinVar aggregate classification (germline): Uncertain significance (1 of 4 stars; one submission).

Conditions:
Charcot-Marie-Tooth disease type 2. Also called: Charcot-Marie-Tooth type 2. Identifiers: Orphanet 64746, MedGen C0270914, MONDO:0018993.

Allele frequency attached by ClinVar (database versions not stated): gnomAD exomes below 0.00001 and 0.00001; gnomAD 0.00001; 1000 Genomes Project 30x 0.00016; 1000 Genomes Project 0.00020; ExAC 0.00002.
gnomAD v4.1: 10 of 1,614,120 alleles (0.00062%); highest among the groups gnomAD compares: East Asian, 0.011%; no homozygotes.

Submission:

Labcorp Genetics (formerly Invitae), Labcorp
Classification: Uncertain significance for Charcot-Marie-Tooth disease type 2. Last evaluated: 2022-09-27. Review status: criteria provided, single submitter. Criteria: Invitae Variant Classification Sherloc (09022015). Collection method: clinical testing. Allele origin: germline.
Comment: In summary, the available evidence is currently insufficient to determine the role of this variant in disease. Therefore, it has been classified as a Variant of Uncertain Significance. Advanced modeling of protein sequence and biophysical properties (such as structural, functional, and spatial information, amino acid conservation, physicochemical variation, residue mobility, and thermodynamic stability) performed at Invitae indicates that this missense variant is expected to disrupt MFN2 protein function. ClinVar contains an entry for this variant (Variation ID: 1406678). This missense change has been observed in individual(s) with early-onset stroke (PMID: 18490623). This variant is present in population databases (rs78658090, gnomAD 0.006%). This sequence change replaces proline, which is neutral and non-polar, with leucine, which is neutral and non-polar, at codon 456 of the MFN2 protein (p.Pro456Leu).

Literature cited by the submitters: PubMed 18490623.

NM_014874.4(MFN2):c.1367C>T (p.Pro456Leu)

Gene: MFN2 (mitofusin 2; plus strand). Cytogenetic location: 1p36.22.
Variant type: single nucleotide variant.
Coding change: c.1367C>T on transcript NM_014874.4 (MANE Select); coding-DNA position 1367, C replaced by T.
Protein change: p.Pro456Leu; replaces proline 456 with leucine.
Molecular consequence: missense variant.
Genome position (GRCh38, 1-based): chr1:12,004,588, C>T. VCF-style: chr1-12004588-C-T. GRCh37 (hg19) VCF-style: chr1-12064645-C-T.
Other names: c.1367C>T, p.Pro456Leu (NM_001127660.2); short protein forms P456L.
Identifiers: ClinVar variation 1406678 (VCV001406678.8), dbSNP rs78658090, ClinGen allele CA599097.